The following is an entry in ClinVar:

ClinVar aggregate classification (germline): Benign. Review status: criteria provided, multiple submitters, no conflicts (2 of 4 stars). 10 submissions from 10 submitters: Benign (10). Last evaluated 2026-02-16.

Conditions:
UDPglucose-4-epimerase deficiency. Also called: UDPglucose 4-Epimerase Deficiency Disease; UDP-GALACTOSE-4-EPIMERASE DEFICIENCY; Galactose epimerase deficiency; Epimerase Deficiency Galactosemia; GALACTOSEMIA III; GALE DEFICIENCY. Identifiers: Orphanet 352, Orphanet 79238, MedGen C0751161, MONDO:0009257, OMIM 230350.

Allele frequency attached by ClinVar (database versions not stated): ESP Exome Variant Server 0.53492; TOPMed 0.54383; gnomAD 0.65959.

Submissions (10):

Women's Health and Genetics/Laboratory Corporation of America, LabCorp
Classification: Benign. Last evaluated: 2026-02-16. Review status: criteria provided, single submitter. Criteria: LabCorp Variant Classification Summary - May 2015. Collection method: clinical testing. Allele origin: germline.

Labcorp Genetics (formerly Invitae), Labcorp
Classification: Benign for UDPglucose-4-epimerase deficiency. Last evaluated: 2026-02-03. Review status: criteria provided, single submitter. Criteria: Invitae Variant Classification Sherloc (09022015). Collection method: clinical testing. Allele origin: germline.

Blueprint Genetics
Classification: Benign. Last evaluated: 2024-11-26. Review status: criteria provided, single submitter. Criteria: ACMG Guidelines, 2015. Collection method: clinical testing. Allele origin: germline.

Genome-Nilou Lab
Classification: Benign for UDPglucose-4-epimerase deficiency. Last evaluated: 2021-08-10. Review status: criteria provided, single submitter. Criteria: ACMG Guidelines, 2015. Collection method: clinical testing. Allele origin: germline. Affected: no.

GeneDx
Classification: Benign. Last evaluated: 2021-05-11. Review status: criteria provided, single submitter. Criteria: GeneDx Variant Classification Process June 2021. Collection method: clinical testing. Allele origin: germline. Affected: yes.

Mayo Clinic Laboratories, Mayo Clinic
Classification: Benign. Last evaluated: 2018-09-25. Review status: criteria provided, single submitter. Criteria: ACMG Guidelines, 2015. Collection method: clinical testing. Allele origin: germline. Observed: 41 variant alleles.

Eurofins Ntd Llc (ga)
Classification: Benign. Last evaluated: 2018-03-23. Review status: criteria provided, single submitter. Criteria: EGL ClinVar v180209 classification definitions. Collection method: clinical testing. Allele origin: germline. Observed: 108 variant alleles, 57 heterozygotes, 51 homozygotes.

Illumina Laboratory Services, Illumina
Classification: Benign for UDPglucose-4-epimerase deficiency. Last evaluated: 2018-01-12. Review status: criteria provided, single submitter. Criteria: ICSL Variant Classification Criteria 13 December 2019. Collection method: clinical testing. Allele origin: germline.
Comment: This variant was observed in the ICSL laboratory as part of a predisposition screen in an ostensibly healthy population. It had not been previously curated by ICSL or reported in the Human Gene Mutation Database (HGMD: prior to June 1st, 2018), and was therefore a candidate for classification through an automated scoring system. Utilizing variant allele frequency, disease prevalence and penetrance estimates, and inheritance mode, an automated score was calculated to assess if this variant is too frequent to cause the disease. Based on the score and internal cut-off values, a variant classified as benign is not then subjected to further curation. The score for this variant resulted in a classification of benign for this disease.

Breakthrough Genomics
Classification: Benign. Review status: criteria provided, single submitter. Criteria: ACMG Guidelines, 2015. Collection method: not provided. Allele origin: germline. Inheritance: Autosomal recessive inheritance. Affected: yes.

PreventionGenetics, part of Exact Sciences
Classification: Benign. Review status: criteria provided, single submitter. Criteria: ACMG Guidelines, 2015. Collection method: clinical testing. Allele origin: germline.

NM_001008216.2(GALE):c.873+13G>A

Gene: GALE (UDP-galactose-4-epimerase; minus strand). Cytogenetic location: 1p36.11.
Variant type: single nucleotide variant.
Coding change: c.873+13G>A on transcript NM_001008216.2 (MANE Select); 13 bases into the intron after coding-DNA position 873, G replaced by A.
Molecular consequence: intron variant.
Genome position (GRCh38, 1-based): chr1:23,796,496, C>T on the plus strand (G>A on the coding strand, the complement: GALE is on the minus strand). VCF-style: chr1-23796496-C-T. GRCh37 (hg19) VCF-style: chr1-24122986-C-T.
Other names: p.?; c.873+13G>A (NM_000403.4, NM_001127621.2).
Identifiers: ClinVar variation 92889 (VCV000092889.26), dbSNP rs760941, ClinGen allele CA146071.